The following is an entry in ClinVar:

ClinVar aggregate classification (germline): Pathogenic (1 of 4 stars; one submission).

Conditions:
Hyperinsulinemic hypoglycemia, familial, 1 (HHF1). Also called: HYPERINSULINISM, FAMILIAL, WITH PANCREATIC NESIDIOBLASTOSIS; HYPOGLYCEMIA, HYPERINSULINEMIC, OF INFANCY; Persistent Hyperinsulinemia Hypoglycemia of Infancy; NESIDIOBLASTOSIS OF PANCREAS; Persistent hyperinsulinemic hypoglycemia of infancy. Identifiers: Orphanet 276575, Orphanet 276598, MedGen C2931832, MONDO:0009734, OMIM 256450.

gnomAD v4.1: 1 of 1,608,428 alleles (0.000062%); no homozygotes.

Submission:

Broad Center for Mendelian Genomics, Broad Institute of MIT and Harvard
Classification: Pathogenic for Hyperinsulinemic hypoglycemia, familial, 1. Last evaluated: 2023-08-16. Review status: criteria provided, single submitter. Criteria: ACMG Guidelines, 2015. Collection method: curation. Allele origin: germline. Inheritance: Autosomal recessive inheritance.
Comment: The p.Gln19Ter variant in ABCC8 has been reported in 2 individuals with hyperinsulinemic hypoglycemia (PMID: 32027066), and has been identified in 0.003% (1/29362) of South Asian chromosomes by the Genome Aggregation Database (gnomAD; dbSNP ID: rs1407486337). Although this variant has been seen in the general population in a heterozygous state, its frequency is low enough to be consistent with a recessive carrier frequency. Of the 2 affected individuals, both were homozygotes, which increases the likelihood that the p.Gln19Ter variant is pathogenic (PMID: 32027066). This nonsense variant leads to a premature termination codon at position 19, which is predicted to lead to a truncated or absent protein. Loss of function of the ABCC8 gene is an established disease mechanism in autosomal recessive hyperinsulinemic hypoglycemia. In summary, this variant meets criteria to be classified as pathogenic for autosomal recessive hyperinsulinemic hypoglycemia. ACMG/AMP Criteria applied: PVS1, PM3, PM2_suporting (Richards 2015).

NM_000352.6(ABCC8):c.55C>T (p.Gln19Ter)

Gene: ABCC8 (ATP binding cassette subfamily C member 8; minus strand). Cytogenetic location: 11p15.1.
Variant type: single nucleotide variant.
Coding change: c.55C>T on transcript NM_000352.6 (MANE Select); coding-DNA position 55, C replaced by T.
Protein change: p.Gln19Ter; replaces glutamine 19 with a stop codon.
Molecular consequence: nonsense. On other transcripts: non-coding transcript variant (1).
Genome position (GRCh38, 1-based): chr11:17,476,722, G>A on the plus strand (C>T on the coding strand, the complement: ABCC8 is on the minus strand). VCF-style: chr11-17476722-G-A. GRCh37 (hg19) VCF-style: chr11-17498269-G-A.
Other names: NM_001287174.3:c.55C>T; c.55C>T, p.Gln19Ter (NM_001351295.2, NM_001351296.2, NM_001351297.2 and 1 more transcripts); short protein forms Q19*.
Identifiers: ClinVar variation 2576220 (VCV002576220.1), dbSNP rs1407486337, ClinGen allele CA379790127.
Genomic context (GRCh38, chr11:17,476,722, plus strand): 5'-GGAAGACGTGCGGCACCACGTTGAGCGCGTCCACAAAGCAGCCGTTGTTGAGGACCCCCT[G>A]GTCCACCCGGTAGGCGGCCGAGTGGTTCTCGCTGCCGCAGAAGGCCAGGGGCATGGCGGC-3'